The following is an entry in ClinVar:

ClinVar aggregate classification (germline): Benign/Likely benign. Review status: criteria provided, multiple submitters, no conflicts (2 of 4 stars). 6 submissions from 6 submitters: Benign (3); Likely benign (2). 1 of the submissions does not count toward it. Last evaluated 2026-07-01.

Conditions:
Developmental and epileptic encephalopathy, 69. Also called: EPILEPTIC ENCEPHALOPATHY, EARLY INFANTILE, 69. Identifiers: MedGen C4748988, MONDO:0032657, OMIM 618285.
CACNA1E-related disorder. Also called: CACNA1E-related condition.

Allele frequency attached by ClinVar (database versions not stated): gnomAD exomes 0.00008 and 0.00024; ExAC 0.00026; ESP Exome Variant Server 0.00081; gnomAD 0.00082 and 0.00085; 1000 Genomes Project 0.00160; 1000 Genomes Project 30x 0.00172.
gnomAD v4.1: 248 of 1,614,100 alleles (0.015%); highest among the groups gnomAD compares: African/African-American, 0.29%; 1 homozygote.

Submissions (6):

CeGaT Center for Human Genetics Tuebingen
Classification: Likely benign. Last evaluated: 2026-07-01. Review status: criteria provided, single submitter. Criteria: CeGaT Center For Human Genetics Tuebingen Variant Classification Criteria Version 2. Collection method: clinical testing. Allele origin: germline. Affected: yes. Observed: 1 variant allele.
Comment: CACNA1E: BP4, BP7, BS1

Labcorp Genetics (formerly Invitae), Labcorp
Classification: Benign. Last evaluated: 2026-01-19. Review status: criteria provided, single submitter. Criteria: Invitae Variant Classification Sherloc (09022015). Collection method: clinical testing. Allele origin: germline.

Blueprint Genetics
Classification: Likely benign. Last evaluated: 2024-02-23. Review status: criteria provided, single submitter. Criteria: ACMG Guidelines, 2015. Collection method: clinical testing. Allele origin: germline.

Genome-Nilou Lab
Classification: Benign for Developmental and epileptic encephalopathy, 69. Last evaluated: 2023-04-11. Review status: criteria provided, single submitter. Criteria: ACMG Guidelines, 2015. Collection method: clinical testing. Allele origin: germline. Affected: no.

GeneDx
Classification: Benign. Last evaluated: 2021-03-28. Review status: criteria provided, single submitter. Criteria: GeneDx Variant Classification Process June 2021. Collection method: clinical testing. Allele origin: germline. Affected: yes.

PreventionGenetics, part of Exact Sciences
Classification: Likely benign for CACNA1E-related condition. Last evaluated: 2024-06-06. Review status: no assertion criteria provided. Collection method: clinical testing. Allele origin: germline. Not counted in ClinVar's aggregate classification.
Comment: This variant is classified as likely benign based on ACMG/AMP sequence variant interpretation guidelines (Richards et al. 2015 PMID: 25741868, with internal and published modifications).

NM_001205293.3(CACNA1E):c.813G>A (p.Gln271=)

Gene: CACNA1E (calcium voltage-gated channel subunit alpha1 E; plus strand). Cytogenetic location: 1q25.3.
Variant type: single nucleotide variant.
Coding change: c.813G>A on transcript NM_001205293.3 (MANE Select); coding-DNA position 813, G replaced by A.
Protein change: p.Gln271=; no amino-acid change (glutamine 271 retained).
Molecular consequence: synonymous variant.
Genome position (GRCh38, 1-based): chr1:181,580,638, G>A. VCF-style: chr1-181580638-G-A. GRCh37 (hg19) VCF-style: chr1-181549774-G-A.
Other names: c.813G>A, p.Gln271= (NM_000721.4, NM_001205294.2).
Identifiers: ClinVar variation 1229408 (VCV001229408.14), dbSNP rs115927746, ClinGen allele CA1274978.